The following is an entry in ClinVar:

NM_024642.5(GALNT12):c.9dup (p.Arg4fs)

Gene: GALNT12 (polypeptide N-acetylgalactosaminyltransferase 12; plus strand). Cytogenetic location: 9q22.33.
Variant type: Duplication.
Coding change: c.9dup on transcript NM_024642.5 (MANE Select); coding-DNA position 9, one base duplicated (G; older notation c.9dupG).
Protein change: p.Arg4fs; shifts the reading frame from arginine 4.
Molecular consequence: frameshift variant.
Genome position (GRCh38, 1-based): chr9:98,807,707, G duplicated; the last of 5 consecutive G bases (chr9:98,807,703-98,807,707); duplicating any one gives the same sequence. VCF-style (leftmost placement, unchanged base first): chr9-98807702-T-TG. GRCh37 (hg19) VCF-style: chr9-101569984-T-TG.
Other names: short protein forms R4fs.
Identifiers: ClinVar variation 2675805 (VCV002675805.4), dbSNP rs1186370119, ClinGen allele CA2690948455.

ClinVar aggregate classification (germline): Uncertain significance. Review status: criteria provided, multiple submitters, no conflicts (2 of 4 stars). 2 submissions from 2 submitters: Uncertain significance (2). Last evaluated 2023-09-11.

Conditions:
Colorectal cancer, susceptibility to, 1. Also called: COLORECTAL ADENOMA AND CANCER, SUSCEPTIBILITY TO; COLORECTAL CANCER, SUSCEPTIBILITY TO, ON CHROMOSOME 9. Identifiers: MedGen C1837315, MONDO:0012132, OMIM 608812.

Submissions (2):

Baylor Genetics
Classification: Uncertain significance for Colorectal cancer, susceptibility to, 1. Last evaluated: 2023-09-11. Review status: criteria provided, single submitter. Criteria: ACMG Guidelines, 2015. Collection method: clinical testing. Allele origin: unknown.

Labcorp Genetics (formerly Invitae), Labcorp
Classification: Uncertain significance. Last evaluated: 2022-12-15. Review status: criteria provided, single submitter. Criteria: Invitae Variant Classification Sherloc (09022015). Collection method: clinical testing. Allele origin: germline.
Comment: In summary, the available evidence is currently insufficient to determine the role of this variant in disease. Therefore, it has been classified as a Variant of Uncertain Significance. This variant has not been reported in the literature in individuals affected with GALNT12-related conditions. This variant is not present in population databases (gnomAD no frequency). This sequence change creates a premature translational stop signal (p.Arg4Alafs*101) in the GALNT12 gene. It is expected to result in an absent or disrupted protein product. However, the current clinical and genetic evidence is not sufficient to establish whether loss-of-function variants in GALNT12 cause disease.